The following is an entry in ClinVar:

NM_000051.4(ATM):c.2378A>G (p.Lys793Arg)

Gene: ATM (ATM serine/threonine kinase; plus strand). Cytogenetic location: 11q22.3.
Variant type: single nucleotide variant.
Coding change: c.2378A>G on transcript NM_000051.4 (MANE Select); coding-DNA position 2378, A replaced by G.
Protein change: p.Lys793Arg; replaces lysine 793 with arginine.
Molecular consequence: missense variant.
Genome position (GRCh38, 1-based): chr11:108,258,987, A>G. VCF-style: chr11-108258987-A-G. GRCh37 (hg19) VCF-style: chr11-108129714-A-G.
Other names: c.2378A>G, p.Lys793Arg (NM_001351834.2); short protein forms K793R.
Identifiers: ClinVar variation 1010202 (VCV001010202.8), dbSNP rs2080692590, ClinGen allele CA382541002.

ClinVar aggregate classification (germline): Uncertain significance (1 of 4 stars; one submission).

Conditions:
Ataxia-telangiectasia syndrome (AT). Also called: Cerebello-oculocutaneous telangiectasia; Immunodeficiency with ataxia telangiectasia; ATAXIA-TELANGIECTASIA, COMPLEMENTATION GROUP A; ATAXIA-TELANGIECTASIA, FRESNO VARIANT; LOUIS-BAR SYNDROME; Ataxia-telangiectasia, complementation group E. Identifiers: Orphanet 100, MedGen C0004135, MONDO:0008840, OMIM 208900.

Submission:

Labcorp Genetics (formerly Invitae), Labcorp
Classification: Uncertain significance for Ataxia-telangiectasia syndrome. Last evaluated: 2024-08-19. Review status: criteria provided, single submitter. Criteria: Invitae Variant Classification Sherloc (09022015). Collection method: clinical testing. Allele origin: germline.
Comment: This sequence change replaces lysine, which is basic and polar, with arginine, which is basic and polar, at codon 793 of the ATM protein (p.Lys793Arg). This variant is not present in population databases (gnomAD no frequency). This variant has not been reported in the literature in individuals affected with ATM-related conditions. ClinVar contains an entry for this variant (Variation ID: 1010202). An algorithm developed to predict the effect of missense changes on protein structure and function outputs the following: PolyPhen-2: "Benign". The arginine amino acid residue is found in multiple mammalian species, which suggests that this missense change does not adversely affect protein function. In summary, the available evidence is currently insufficient to determine the role of this variant in disease. Therefore, it has been classified as a Variant of Uncertain Significance.